The following is an entry in ClinVar:

ClinVar aggregate classification (germline): Likely benign (1 of 4 stars; one submission).

gnomAD v4.1: 38 of 1,546,924 alleles (0.0025%); highest among the groups gnomAD compares: Admixed American, 0.0072%; no homozygotes.

Submission:

CeGaT Center for Human Genetics Tuebingen
Classification: Likely benign. Last evaluated: 2026-09-01. Review status: criteria provided, single submitter. Criteria: CeGaT Center For Human Genetics Tuebingen Variant Classification Criteria Version 2. Collection method: clinical testing. Allele origin: germline. Affected: yes. Observed: 1 variant allele.
Comment: FAM193A: BP4, BP7

NM_001366318.2(FAM193A):c.2340G>A (p.Pro780=)

Gene: FAM193A (family with sequence similarity 193 member A; plus strand). Cytogenetic location: 4p16.3.
Variant type: single nucleotide variant.
Coding change: c.2340G>A on transcript NM_001366318.2 (MANE Select); coding-DNA position 2340, G replaced by A.
Protein change: p.Pro780=; no amino-acid change (proline 780 retained).
Molecular consequence: synonymous variant. On other transcripts: non-coding transcript variant (2).
Genome position (GRCh38, 1-based): chr4:2,689,514, G>A. VCF-style: chr4-2689514-G-A. GRCh37 (hg19) VCF-style: chr4-2691241-G-A.
Other names: c.1467G>A, p.Pro489= (NM_001256666.2, NM_001256668.2, NM_003704.4); c.1533G>A, p.Pro511= (NM_001256667.2); c.2169G>A, p.Pro723= (NM_001366316.2).
Identifiers: ClinVar variation 5041079 (VCV005041079.1).